The following is an entry in ClinVar:

NM_201525.4(ADGRG1):c.1158_1162del (p.Val387fs)

Gene: ADGRG1 (adhesion G protein-coupled receptor G1; plus strand). Cytogenetic location: 16q21.
Variant type: Deletion.
Coding change: c.1158_1162del on transcript NM_201525.4 (MANE Select); coding-DNA positions 1158 to 1162, 5 bases deleted (AGTGC; older notation c.1158_1162delAGTGC).
Protein change: p.Val387fs; shifts the reading frame from valine 387.
Molecular consequence: frameshift variant.
Genome position (GRCh38, 1-based): chr16:57,656,608-57,656,612, AGTGC deleted; deleting any 5 consecutive bases within chr16:57,656,605-57,656,612 gives the same sequence; the c. name uses the placement nearest the transcript's 3' end. VCF-style (leftmost placement, unchanged base first): chr16-57656604-TTGCAG-T. GRCh37 (hg19) VCF-style: chr16-57690516-TTGCAG-T.
Other names: c.1158_1162del, p.Val387fs (NM_001370440.1, NM_005682.7, NM_201524.4 and 14 more transcripts); c.1155_1159del, p.Val386fs (NM_001370441.1, NM_001370434.1); c.1002_1006del, p.Val335fs (NM_001370442.1); c.633_637del, p.Val212fs (NM_001370451.1, NM_001370453.1, NM_001370454.1 and 2 more transcripts); c.1158_1162del (NM_005682.6); c.1173_1177del, p.Val392fs (NM_001145773.3, NM_001370433.1); c.648_652del, p.Val217fs (NM_001290142.2); short protein forms V387fs, V212fs, V217fs, V392fs, V335fs, V386fs.
Identifiers: ClinVar variation 2016424 (VCV002016424.6), dbSNP rs2545371984, ClinGen allele CA2576010283.

ClinVar aggregate classification (germline): Pathogenic/Likely pathogenic. Review status: criteria provided, multiple submitters, no conflicts (2 of 4 stars). 2 submissions from 2 submitters: Pathogenic (1); Likely pathogenic (1). Last evaluated 2025-05-08.

Conditions:
Bilateral frontoparietal polymicrogyria. Also called: CORTICAL DYSPLASIA, COMPLEX, WITH OTHER BRAIN MALFORMATIONS 14A (BILATERAL FRONTOPARIETAL); CEREBELLAR ATAXIA WITH NEURONAL MIGRATION DEFECT. Identifiers: Orphanet 101070, MedGen C1847352, MONDO:0011738, OMIM 606854.

Submissions (2):

Natera, Inc.
Classification: Likely pathogenic for Bilateral frontoparietal polymicrogyria. Last evaluated: 2025-05-08. Review status: criteria provided, single submitter. Criteria: Natera Variant Classification Schema (03/2026). Collection method: clinical testing. Allele origin: germline.
Comment: The c.1158_1162del variant in ADGRG1 is a frameshift variant predicted to shift the reading frame beginning at codon 387 and leads to a stop codon 84 codons downstream. This variant is expected to result in nonsense mediated decay, truncation, or a dysfunctional protein product. This variant is rare in the general population with a frequency below the threshold expected for the associated phenotype(s). Given the available evidence, this variant is classified as Likely Pathogenic.

Labcorp Genetics (formerly Invitae), Labcorp
Classification: Pathogenic. Last evaluated: 2022-11-07. Review status: criteria provided, single submitter. Criteria: Invitae Variant Classification Sherloc (09022015). Collection method: clinical testing. Allele origin: germline.
Comment: This variant is not present in population databases (gnomAD no frequency). This variant has not been reported in the literature in individuals affected with ADGRG1-related conditions. For these reasons, this variant has been classified as Pathogenic. This sequence change creates a premature translational stop signal (p.Val387Aspfs*84) in the ADGRG1 gene. It is expected to result in an absent or disrupted protein product. Loss-of-function variants in ADGRG1 are known to be pathogenic (PMID: 15044805, 20929962).

Literature cited by the submitters: PubMed 15044805 (cited by Labcorp Genetics (formerly Invitae), Labcorp); PubMed 20929962 (cited by Labcorp Genetics (formerly Invitae), Labcorp).